The following is an entry in ClinVar:

NM_000548.5(TSC2):c.2580_2584delinsCGCCA (p.Ala862Thr)

Gene: TSC2 (TSC complex subunit 2; plus strand). Cytogenetic location: 16p13.3.
Variant type: Indel.
Coding change: c.2580_2584delinsCGCCA on transcript NM_000548.5 (MANE Select); coding-DNA positions 2580 to 2584, TGCCG replaced by CGCCA.
Protein change: p.Ala862Thr; replaces alanine 862 with threonine.
Molecular consequence: missense variant. On other transcripts: non-coding transcript variant (5).
Genome position (GRCh38, 1-based): chr16:2,075,833-2,075,837, TGCCG replaced by CGCCA. VCF-style: chr16-2075833-TGCCG-CGCCA. GRCh37 (hg19) VCF-style: chr16-2125834-TGCCG-CGCCA.
Other names: c.2523_2527delinsCGCCA, p.Ala843Thr (NM_001406677.1); c.2469_2473delinsCGCCA, p.Ala825Thr (NM_001406678.1, NM_001318827.2, NM_001406670.1); c.2433_2437delinsCGCCA, p.Ala813Thr (NM_001406679.1, NM_001318829.2, NM_001406675.1 and 1 more transcripts); c.1980_1984delinsCGCCA, p.Ala662Thr (NM_001406688.1, NM_001318831.2, NM_001406680.1 and 6 more transcripts); c.1236_1240delinsCGCCA, p.Ala414Thr (NM_001406689.1, NM_001406690.1, NM_001406691.1 and 6 more transcripts); c.978_982delinsCGCCA, p.Ala328Thr (NM_001406698.1); c.2580_2584delinsCGCCA, p.Ala862Thr (NM_021055.3, NM_001077183.3, NM_001114382.3 and 6 more transcripts); c.2613_2617delinsCGCCA, p.Ala873Thr (NM_001318832.2); and 3 more; short protein forms A328T, A414T, A662T, A708T, A813T, A825T, A843T, A858T.
Identifiers: ClinVar variation 4071073 (VCV004071073.1).
Genomic context (GRCh38, chr16:2,075,833, plus strand): 5'-CCTGACCACCCTCTCCATTACCGCAGCTCTGGCCAGGCTGCCGCACCTCTACAGGAACTT[TGCCG>CGCCA]CGGAGCAGTATGCCAGTGTGTTCGCCATCTCCCTGCCGTACACCAACCCCTCCAAGTGAG-3'
Protein context (NP_000539.2, residues 852-872): RLPHLYRNFA[Ala862Thr]EQYASVFAIS

ClinVar aggregate classification (germline): Likely benign (1 of 4 stars; one submission).

Conditions:
Tuberous sclerosis 2 (TSC2). Identifiers: Orphanet 805, MedGen C1860707, MONDO:0013199, OMIM 613254.

Submission:

Myriad Genetics, Inc.
Classification: Likely benign for Tuberous sclerosis 2. Last evaluated: 2025-05-20. Review status: criteria provided, single submitter. Criteria: Myriad Autosomal Dominant, Autosomal Recessive and X-Linked Classification Criteria (2023). Collection method: clinical testing. Allele origin: unknown.
Comment: This variant is considered likely benign. This variant has been observed at a population frequency that is significantly greater than expected given the associated disease prevalence and penetrance.